The following is an entry in ClinVar:

ClinVar aggregate classification (germline): Benign (1 of 4 stars; one submission).

Allele frequency attached by ClinVar (database versions not stated): 1000 Genomes Project 0.87041; 1000 Genomes Project 30x 0.87648; gnomAD 0.94160 and 0.94709; TOPMed 0.94180.
gnomAD v4.1: 142,239 of 150,980 alleles (94%); highest among the groups gnomAD compares: Non-Finnish European, 99%; 67,239 homozygotes.

Submission:

GeneDx
Classification: Benign. Last evaluated: 2018-06-18. Review status: criteria provided, single submitter. Criteria: GeneDx Variant Classification (06012015). Collection method: clinical testing. Allele origin: germline. Affected: yes.
Comment: This variant is considered likely benign or benign based on one or more of the following criteria: it is a conservative change, it occurs at a poorly conserved position in the protein, it is predicted to be benign by multiple in silico algorithms, and/or has population frequency not consistent with disease.

NM_002860.4(ALDH18A1):c.559-272C>T

Gene: ALDH18A1 (aldehyde dehydrogenase 18 family member A1; minus strand). Cytogenetic location: 10q24.1.
Variant type: single nucleotide variant.
Coding change: c.559-272C>T on transcript NM_002860.4 (MANE Select); 272 bases into the intron before coding-DNA position 559, C replaced by T.
Molecular consequence: intron variant.
Genome position (GRCh38, 1-based): chr10:95,633,921, G>A on the plus strand (C>T on the coding strand, the complement: ALDH18A1 is on the minus strand). VCF-style: chr10-95633921-G-A. GRCh37 (hg19) VCF-style: chr10-97393678-G-A.
Other names: c.-78-272C>T (NM_001323419.2); c.226-272C>T (NM_001323412.2, NM_001323418.2, NM_001323416.2); c.454-272C>T (NM_001323417.2); c.559-272C>T (NM_001017423.2, NM_001323415.2, NM_001323413.2 and 1 more transcripts).
Identifiers: ClinVar variation 683036 (VCV000683036.1), dbSNP rs1890187, ClinGen allele CA211801290.